The following is an entry in ClinVar:

NM_000465.4(BARD1):c.804A>C (p.Glu268Asp)

Gene: BARD1 (BRCA1 associated RING domain 1; minus strand). Cytogenetic location: 2q35.
Variant type: single nucleotide variant.
Coding change: c.804A>C on transcript NM_000465.4 (MANE Select); coding-DNA position 804, A replaced by C.
Protein change: p.Glu268Asp; replaces glutamic acid 268 with aspartic acid.
Molecular consequence: missense variant. On other transcripts: non-coding transcript variant (2), intron variant (3).
Genome position (GRCh38, 1-based): chr2:214,781,070, T>G on the plus strand (A>C on the coding strand, the complement: BARD1 is on the minus strand). VCF-style: chr2-214781070-T-G. GRCh37 (hg19) VCF-style: chr2-215645794-T-G.
Other names: c.747A>C, p.Glu249Asp (NM_001282543.2); c.158+28342A>C (NM_001282548.2); c.215+15991A>C (NM_001282545.2); c.364+11227A>C (NM_001282549.2); short protein forms E249D, E268D.
Identifiers: ClinVar variation 4826591 (VCV004826591.1).

ClinVar aggregate classification (germline): Uncertain significance (1 of 4 stars; one submission).

Conditions:
Hereditary cancer-predisposing syndrome. Also called: Neoplastic Syndromes, Hereditary; Tumor predisposition; Hereditary Cancer Syndrome; Hereditary neoplastic syndrome. Identifiers: Orphanet 140162, MedGen C0027672, MeSH D009386, MONDO:0015356.

Submission:

Ambry Genetics
Classification: Uncertain significance for Hereditary cancer-predisposing syndrome. Last evaluated: 2026-03-08. Review status: criteria provided, single submitter. Criteria: Ambry Variant Classification Scheme 2023. Collection method: clinical testing. Allele origin: germline.
Comment: The p.E268D variant (also known as c.804A>C), located in coding exon 4 of the BARD1 gene, results from an A to C substitution at nucleotide position 804. The glutamic acid at codon 268 is replaced by aspartic acid, an amino acid with highly similar properties. This amino acid position is conserved. In addition, this alteration is predicted to be tolerated by in silico analysis. Based on the available evidence, the clinical significance of this variant remains unclear.